The following is an entry in ClinVar:

ClinVar aggregate classification (germline): Uncertain significance (1 of 4 stars; one submission).

Conditions:
Carnitine palmitoyltransferase II deficiency. Also called: Carnitine Palmitoyltransferase 2 Deficiency. Identifiers: Orphanet 157, MedGen C0342790, MONDO:0015515.

Allele frequency attached by ClinVar (database versions not stated): gnomAD exomes below 0.00001.
gnomAD v4.1: 1 of 1,613,998 alleles (0.000062%); highest among the groups gnomAD compares: Non-Finnish European, 0.000085%; no homozygotes.

Submission:

Labcorp Genetics (formerly Invitae), Labcorp
Classification: Uncertain significance for Carnitine palmitoyltransferase II deficiency. Last evaluated: 2022-02-04. Review status: criteria provided, single submitter. Criteria: Invitae Variant Classification Sherloc (09022015). Collection method: clinical testing. Allele origin: germline.
Comment: This sequence change replaces threonine, which is neutral and polar, with alanine, which is neutral and non-polar, at codon 392 of the CPT2 protein (p.Thr392Ala). This variant is not present in population databases (gnomAD no frequency). This variant has not been reported in the literature in individuals affected with CPT2-related conditions. Algorithms developed to predict the effect of missense changes on protein structure and function (SIFT, PolyPhen-2, Align-GVGD) all suggest that this variant is likely to be tolerated. In summary, the available evidence is currently insufficient to determine the role of this variant in disease. Therefore, it has been classified as a Variant of Uncertain Significance.

NM_000098.3(CPT2):c.1174A>G (p.Thr392Ala)

Gene: CPT2 (carnitine palmitoyltransferase 2; plus strand). Cytogenetic location: 1p32.3.
Variant type: single nucleotide variant.
Coding change: c.1174A>G on transcript NM_000098.3 (MANE Select); coding-DNA position 1174, A replaced by G.
Protein change: p.Thr392Ala; replaces threonine 392 with alanine.
Molecular consequence: missense variant.
Genome position (GRCh38, 1-based): chr1:53,210,848, A>G. VCF-style: chr1-53210848-A-G. GRCh37 (hg19) VCF-style: chr1-53676520-A-G.
Other names: c.1174A>G, p.Thr392Ala (NM_001330589.2); short protein forms T392A.
Identifiers: ClinVar variation 1489830 (VCV001489830.5), dbSNP rs2100273738, ClinGen allele CA340394678.